The following is an entry in ClinVar:

NM_001271938.2(MEGF8):c.7888T>C (p.Ser2630Pro)

Gene: MEGF8 (multiple EGF like domains 8; plus strand). Cytogenetic location: 19q13.2.
Variant type: single nucleotide variant.
Coding change: c.7888T>C on transcript NM_001271938.2 (MANE Select); coding-DNA position 7888, T replaced by C.
Protein change: p.Ser2630Pro; replaces serine 2630 with proline.
Molecular consequence: missense variant.
Genome position (GRCh38, 1-based): chr19:42,376,125, T>C. VCF-style: chr19-42376125-T-C. GRCh37 (hg19) VCF-style: chr19-42880277-T-C.
Other names: c.7687T>C, p.Ser2563Pro (NM_001410.3); short protein forms S2563P, S2630P.
Identifiers: ClinVar variation 2629822 (VCV002629822.1), dbSNP rs1216385147, ClinGen allele CA406141787.
Genomic context (GRCh38, chr19:42,376,125, plus strand): 5'-AGCCGCTTCTACCTGCTGCTGCTGGGCGTGGGAGACCCAAGTGGGCCCGGCGCCAACGGC[T>C]CAGCCGACTCGCAGGGCCTGCTCTTCTTCCGGCAGGACCAGGCCCACATTGACCTGTTTG-3'
Protein context (NP_001258867.1, residues 2620-2640): GDPSGPGANG[Ser2630Pro]ADSQGLLFFR

ClinVar aggregate classification (germline): Uncertain significance (1 of 4 stars; one submission).

Conditions:
MEGF8-related disorder. Also called: MEGF8-related condition.

Allele frequency attached by ClinVar (database versions not stated): gnomAD exomes 0.00001.
gnomAD v4.1: 10 of 1,607,974 alleles (0.00062%); highest among the groups gnomAD compares: Non-Finnish European, 0.00076%; no homozygotes.

Submission:

PreventionGenetics, part of Exact Sciences
Classification: Uncertain significance for MEGF8-related condition. Last evaluated: 2023-01-31. Review status: criteria provided, single submitter. Criteria: ACMG Guidelines, 2015. Collection method: clinical testing. Allele origin: germline.
Comment: The MEGF8 c.7687T>C variant is predicted to result in the amino acid substitution p.Ser2563Pro. To our knowledge, this variant has not been reported in the literature. This variant is reported in 0.00089% of alleles in individuals of European (Non-Finnish) descent in gnomAD. At this time, the clinical significance of this variant is uncertain due to the absence of conclusive functional and genetic evidence.